The following is an entry in ClinVar:

NM_207352.4(CYP4V2):c.1387G>T (p.Gly463Cys)

Gene: CYP4V2 (cytochrome P450 family 4 subfamily V member 2; plus strand). Cytogenetic location: 4q35.2.
Variant type: single nucleotide variant.
Coding change: c.1387G>T on transcript NM_207352.4 (MANE Select); coding-DNA position 1387, G replaced by T.
Protein change: p.Gly463Cys; replaces glycine 463 with cysteine.
Molecular consequence: missense variant.
Genome position (GRCh38, 1-based): chr4:186,209,254, G>T. VCF-style: chr4-186209254-G-T. GRCh37 (hg19) VCF-style: chr4-187130408-G-T.
Other names: short protein forms G463C.
Identifiers: ClinVar variation 998781 (VCV000998781.6), dbSNP rs1490621697, ClinGen allele CA358950682.

ClinVar aggregate classification (germline): Uncertain significance (1 of 4 stars; one submission).

Allele frequency attached by ClinVar (database versions not stated): gnomAD exomes below 0.00001.
gnomAD v4.1: 1 of 1,613,758 alleles (0.000062%); highest among the groups gnomAD compares: Admixed American, 0.0017%; no homozygotes.

Submission:

Labcorp Genetics (formerly Invitae), Labcorp
Classification: Uncertain significance. Last evaluated: 2022-03-10. Review status: criteria provided, single submitter. Criteria: Invitae Variant Classification Sherloc (09022015). Collection method: clinical testing. Allele origin: germline.
Comment: This sequence change replaces glycine, which is neutral and non-polar, with cysteine, which is neutral and slightly polar, at codon 463 of the CYP4V2 protein (p.Gly463Cys). This variant is present in population databases (no rsID available, gnomAD 0.003%). This variant has not been reported in the literature in individuals affected with CYP4V2-related conditions. ClinVar contains an entry for this variant (Variation ID: 998781). Advanced modeling of protein sequence and biophysical properties (such as structural, functional, and spatial information, amino acid conservation, physicochemical variation, residue mobility, and thermodynamic stability) performed at Invitae indicates that this missense variant is expected to disrupt CYP4V2 protein function. In summary, the available evidence is currently insufficient to determine the role of this variant in disease. Therefore, it has been classified as a Variant of Uncertain Significance.